The following is an entry in ClinVar:

NM_002907.4(RECQL):c.91A>G (p.Arg31Gly)

Gene: RECQL (RecQ like helicase; minus strand). Cytogenetic location: 12p12.1.
Variant type: single nucleotide variant.
Coding change: c.91A>G on transcript NM_002907.4 (MANE Select); coding-DNA position 91, A replaced by G.
Protein change: p.Arg31Gly; replaces arginine 31 with glycine.
Molecular consequence: missense variant.
Genome position (GRCh38, 1-based): chr12:21,491,642, T>C on the plus strand (A>G on the coding strand, the complement: RECQL is on the minus strand). VCF-style: chr12-21491642-T-C. GRCh37 (hg19) VCF-style: chr12-21644576-T-C.
Other names: c.91A>G, p.Arg31Gly (NM_032941.3); short protein forms R31G.
Identifiers: ClinVar variation 2585996 (VCV002585996.2), dbSNP rs2540405452, ClinGen allele CA384134587.

ClinVar aggregate classification (germline): Uncertain significance (1 of 4 stars; one submission).

Submission:

Ambry Genetics
Classification: Uncertain significance. Last evaluated: 2023-06-30. Review status: criteria provided, single submitter. Criteria: Ambry Variant Classification Scheme 2023. Collection method: clinical testing. Allele origin: germline.
Comment: The p.R31G variant (also known as c.91A>G), located in coding exon 2 of the RECQL gene, results from an A to G substitution at nucleotide position 91. The arginine at codon 31 is replaced by glycine, an amino acid with dissimilar properties. This amino acid position is conserved. In addition, the in silico prediction for this alteration is inconclusive. Since supporting evidence is limited at this time, the clinical significance of this alteration remains unclear.